The following is an entry in ClinVar:

NM_000257.4(MYH7):c.2771A>T (p.Glu924Val)

Gene: MYH7 (myosin heavy chain 7; minus strand). Cytogenetic location: 14q11.2.
Variant type: single nucleotide variant.
Coding change: c.2771A>T on transcript NM_000257.4 (MANE Select); coding-DNA position 2771, A replaced by T.
Protein change: p.Glu924Val; replaces glutamic acid 924 with valine.
Molecular consequence: missense variant.
Genome position (GRCh38, 1-based): chr14:23,424,058, T>A on the plus strand (A>T on the coding strand, the complement: MYH7 is on the minus strand). VCF-style: chr14-23424058-T-A. GRCh37 (hg19) VCF-style: chr14-23893267-T-A.
Other names: c.2771A>T, p.Glu924Val (NM_001407004.1); short protein forms E924V.
Identifiers: ClinVar variation 4758870 (VCV004758870.1).

ClinVar aggregate classification (germline): Uncertain significance (1 of 4 stars; one submission).

Conditions:
Cardiomyopathy (CMYO). Also called: Cardiomyopathies. Identifiers: Orphanet 167848, MedGen C0878544, MONDO:0004994, HP:0001638. Inheritance: Various modes of inheritance.

Submission:

Color Diagnostics, LLC DBA Color Health
Classification: Uncertain significance for Cardiomyopathy. Last evaluated: 2025-07-18. Review status: criteria provided, single submitter. Criteria: ACMG Guidelines, 2015. Collection method: clinical testing. Allele origin: germline.
Comment: This missense variant replaces glutamic acid with valine at codon 924 of the MYH7 protein. This variant is found within a highly conserved region of the myosin head domain. Missense variants in this region have been shown to be significantly overrepresented in individuals with affected with hypertrophic cardiomyopathy (PMID: 27532257). Computational prediction suggests that this variant may have a deleterious impact on protein structure and function. To our knowledge, functional studies have not been reported for this variant. This variant has not been reported in individuals affected with MYH7-related disorders in the literature. This variant has not been identified in the general population by the Genome Aggregation Database (gnomAD). A different variant affecting the same codon, p.Glu924Lys, is considered to be disease-causing (ClinVar variation ID: 14092), suggesting that glutamic acid at this position is important for MYH7 protein function. The available evidence is insufficient to determine the role of this variant in disease conclusively. Therefore, this variant is classified as a Variant of Uncertain Significance.

Literature cited by the submitters: PubMed 27532257.